The following is an entry in ClinVar:

NM_001039141.3(TRIOBP):c.1015A>G (p.Thr339Ala)

Gene: TRIOBP (TRIO and F-actin binding protein; plus strand). Cytogenetic location: 22q13.1.
Variant type: single nucleotide variant.
Coding change: c.1015A>G on transcript NM_001039141.3 (MANE Select); coding-DNA position 1015, A replaced by G.
Protein change: p.Thr339Ala; replaces threonine 339 with alanine.
Molecular consequence: missense variant.
Genome position (GRCh38, 1-based): chr22:37,723,571, A>G. VCF-style: chr22-37723571-A-G. GRCh37 (hg19) VCF-style: chr22-38119578-A-G.
Other names: short protein forms T339A.
Identifiers: ClinVar variation 2571159 (VCV002571159.27), dbSNP rs1923945365, ClinGen allele CA411456213.
Genomic context (GRCh38, chr22:37,723,571, plus strand): 5'-ACCCCTAGGGCCTCATCCACCCAAGAGGACACCCCCAGGGCCTCATCTACACAGTGGAAC[A>G]CCCCCAGAGCTTCCTCTCCCTCACGAAGCACCCAACTGGATAACCCCAGAACCTCTTCTA-3'
Protein context (NP_001034230.1, residues 329-349): TPRASSTQWN[Thr339Ala]PRASSPSRST

ClinVar aggregate classification (germline): Uncertain significance (1 of 4 stars; one submission).

Allele frequency attached by ClinVar (database versions not stated): TOPMed below 0.00001; gnomAD 0.00001; gnomAD exomes 0.00001.
gnomAD v4.1: 8 of 1,613,784 alleles (0.0005%); highest among the groups gnomAD compares: African/African-American, 0.0013%; no homozygotes.

Submission:

CeGaT Center for Human Genetics Tuebingen
Classification: Uncertain significance. Last evaluated: 2023-04-01. Review status: criteria provided, single submitter. Criteria: CeGaT Center For Human Genetics Tuebingen Variant Classification Criteria Version 2. Collection method: clinical testing. Allele origin: germline. Affected: yes. Observed: 1 variant allele.
Comment: TRIOBP: PM2, BP4